The following is an entry in ClinVar:

ClinVar aggregate classification (germline): Likely benign. Review status: criteria provided, multiple submitters, no conflicts (2 of 4 stars). 2 submissions from 2 submitters: Likely benign (2). Last evaluated 2023-11-20.

Conditions:
Malignant hyperthermia, susceptibility to, 1 (MHS1). Also called: RYR1-Related Malignant Hyperthermia Susceptibility; Anesthesia related hyperthermia; Malignant hyperpyrexia; Fulminating hyperpyrexia; Pharmacogenic myopathy; Malignant hyperthermia suceptibility 1. Identifiers: Orphanet 423, MedGen C2930980, MONDO:0007783, OMIM 145600.
RYR1-related disorder. Also called: RYR1-related condition; RYR1-related disorders. Identifiers: MedGen CN239331.

Allele frequency attached by ClinVar (database versions not stated): gnomAD exomes below 0.00001; ExAC 0.00001.
gnomAD v4.1: 3 of 1,613,634 alleles (0.00019%); highest among the groups gnomAD compares: South Asian, 0.0022%; no homozygotes.

Submissions (2):

All of Us Research Program, National Institutes of Health
Classification: Likely benign for Malignant hyperthermia, susceptibility to, 1. Last evaluated: 2023-11-20. Review status: criteria provided, single submitter. Criteria: ACMG Guidelines, 2015. Collection method: clinical testing. Allele origin: germline. Inheritance: Autosomal dominant inheritance. Observed: 1 variant allele, 1 heterozygote.
Comment: This study involves interpretation of variants in research participants for the purpose of population health screening. Participant phenotype was not available at the time of variant classification. Additional details can be found in publication PMID: 35346344, PMCID: PMC8962531

Labcorp Genetics (formerly Invitae), Labcorp
Classification: Likely benign for RYR1-related disorder. Last evaluated: 2023-05-11. Review status: criteria provided, single submitter. Criteria: Invitae Variant Classification Sherloc (09022015). Collection method: clinical testing. Allele origin: germline.

NM_000540.3(RYR1):c.12013-4C>T

Gene: RYR1 (ryanodine receptor 1; plus strand). Cytogenetic location: 19q13.2.
Variant type: single nucleotide variant.
Coding change: c.12013-4C>T on transcript NM_000540.3 (MANE Select); 4 bases into the intron before coding-DNA position 12013, C replaced by T.
Molecular consequence: intron variant.
Genome position (GRCh38, 1-based): chr19:38,546,441, C>T. VCF-style: chr19-38546441-C-T. GRCh37 (hg19) VCF-style: chr19-39037081-C-T.
Other names: c.11998-4C>T (NM_001042723.2).
Identifiers: ClinVar variation 2855531 (VCV002855531.4), dbSNP rs780317049, ClinGen allele CA058106.
Genomic context (GRCh38, chr19:38,546,441, plus strand): 5'-GAGAAGCAACAGAGGTGGGGGAGGTGTATGCTGAGACCAGCCCTCACCGAGCTGGGATCT[C>T]TAGGACTCAAGCCAGATCGAGCTGCTGAAGGAGCTGCTGGATCTGCAGAAGGACATGGTG-3'